The following is an entry in ClinVar:

ClinVar aggregate classification (germline): Uncertain significance (1 of 4 stars; one submission).

Conditions:
Combined immunodeficiency due to MALT1 deficiency. Also called: Immunodeficiency 12. Identifiers: Orphanet 397964, MedGen C3809583, MONDO:0014197, OMIM 615468.

Allele frequency attached by ClinVar (database versions not stated): gnomAD 0.00002; TOPMed 0.00001.

Submission:

Labcorp Genetics (formerly Invitae), Labcorp
Classification: Uncertain significance for Combined immunodeficiency due to MALT1 deficiency. Last evaluated: 2022-07-11. Review status: criteria provided, single submitter. Criteria: Invitae Variant Classification Sherloc (09022015). Collection method: clinical testing. Allele origin: germline.
Comment: In summary, the available evidence is currently insufficient to determine the role of this variant in disease. Therefore, it has been classified as a Variant of Uncertain Significance. Algorithms developed to predict the effect of missense changes on protein structure and function (SIFT, PolyPhen-2, Align-GVGD) all suggest that this variant is likely to be tolerated. This variant has not been reported in the literature in individuals affected with MALT1-related conditions. This variant is not present in population databases (gnomAD no frequency). This sequence change replaces alanine, which is neutral and non-polar, with threonine, which is neutral and polar, at codon 630 of the MALT1 protein (p.Ala630Thr).

NM_006785.4(MALT1):c.1888G>A (p.Ala630Thr)

Gene: MALT1 (MALT1 paracaspase; plus strand). Cytogenetic location: 18q21.32.
Variant type: single nucleotide variant.
Coding change: c.1888G>A on transcript NM_006785.4 (MANE Select); coding-DNA position 1888, G replaced by A.
Protein change: p.Ala630Thr; replaces alanine 630 with threonine.
Molecular consequence: missense variant.
Genome position (GRCh38, 1-based): chr18:58,744,472, G>A. VCF-style: chr18-58744472-G-A. GRCh37 (hg19) VCF-style: chr18-56411704-G-A.
Other names: c.1855G>A, p.Ala619Thr (NM_173844.3); short protein forms A630T, A619T.
Identifiers: ClinVar variation 2074467 (VCV002074467.4), dbSNP rs1165371716, ClinGen allele CA402576020.